The following is an entry in ClinVar:

ClinVar aggregate classification (germline): Uncertain significance (1 of 4 stars; one submission).

Submission:

Centre of Medical Genetics, University Hospital Muenster
Classification: Uncertain significance. Last evaluated: 2023-03-30. Review status: criteria provided, single submitter. Criteria: ACMG Guidelines, 2015. Collection method: clinical testing. Allele origin: unknown. Affected: yes. Observed: 1 variant allele, 1 heterozygote.
Comment: ACMG categories: PM2

NM_018026.4(PACS1):c.2348C>A (p.Pro783His)

Gene: PACS1 (phosphofurin acidic cluster sorting protein 1; plus strand). Cytogenetic location: 11q13.2.
Variant type: single nucleotide variant.
Coding change: c.2348C>A on transcript NM_018026.4 (MANE Select); coding-DNA position 2348, C replaced by A.
Protein change: p.Pro783His; replaces proline 783 with histidine.
Molecular consequence: missense variant.
Genome position (GRCh38, 1-based): chr11:66,239,196, C>A. VCF-style: chr11-66239196-C-A. GRCh37 (hg19) VCF-style: chr11-66006667-C-A.
Other names: short protein forms P783H.
Identifiers: ClinVar variation 2504128 (VCV002504128.2), dbSNP rs2495602966, ClinGen allele CA381378217.
Genomic context (GRCh38, chr11:66,239,196, plus strand): 5'-TGACAGGCGATGGGGACGATTCTCCTGTGGTCAGCCTTACTGTGCCCTCCACATCACCAC[C>A]CTCCAGCTCGGGCCTGAGCCGAGACGCCACGGCCACCCCTCCCTCCTCCCCATCTATGAG-3'
Protein context (NP_060496.2, residues 773-793): VSLTVPSTSP[Pro783His]SSSGLSRDAT